The following is an entry in ClinVar:

ClinVar aggregate classification (germline): Likely benign (0 of 4 stars; one submission).

Conditions:
CRADD-related disorder. Also called: CRADD-related condition.

Allele frequency attached by ClinVar (database versions not stated): TOPMed below 0.00001; gnomAD exomes 0.00001; gnomAD 0.00003; ExAC 0.00004; 1000 Genomes Project 30x 0.00047; 1000 Genomes Project 0.00060.
gnomAD v4.1: 15 of 1,606,332 alleles (0.00093%); highest among the groups gnomAD compares: East Asian, 0.031%; no homozygotes.

Submission:

PreventionGenetics, part of Exact Sciences
Classification: Likely benign for CRADD-related condition. Last evaluated: 2019-08-16. Review status: no assertion criteria provided. Collection method: clinical testing. Allele origin: germline.
Comment: This variant is classified as likely benign based on ACMG/AMP sequence variant interpretation guidelines (Richards et al. 2015 PMID: 25741868, with internal and published modifications).

NM_003805.5(CRADD):c.318C>T (p.Ile106=)

Gene: CRADD (CASP2 and RIPK1 domain containing adaptor with death domain; plus strand). Cytogenetic location: 12q22.
Variant type: single nucleotide variant.
Coding change: c.318C>T on transcript NM_003805.5 (MANE Select); coding-DNA position 318, C replaced by T.
Protein change: p.Ile106=; no amino-acid change (isoleucine 106 retained).
Molecular consequence: synonymous variant. On other transcripts: intron variant (1).
Genome position (GRCh38, 1-based): chr12:93,849,989, C>T. VCF-style: chr12-93849989-C-T. GRCh37 (hg19) VCF-style: chr12-94243765-C-T.
Other names: c.318C>T, p.Ile106= (NM_001320099.2); c.299-44061C>T (NM_001320100.2).
Identifiers: ClinVar variation 3053029 (VCV003053029.2), dbSNP rs557566426, ClinGen allele CA6720203.